The following is an entry in ClinVar:

NM_018444.4(PDP1):c.328C>G (p.Leu110Val)

Gene: PDP1 (pyruvate dehydrogenase phosphatase catalytic subunit 1; plus strand). Cytogenetic location: 8q22.1.
Variant type: single nucleotide variant.
Coding change: c.328C>G on transcript NM_018444.4 (MANE Select); coding-DNA position 328, C replaced by G.
Protein change: p.Leu110Val; replaces leucine 110 with valine.
Molecular consequence: missense variant.
Genome position (GRCh38, 1-based): chr8:93,922,387, C>G. VCF-style: chr8-93922387-C-G. GRCh37 (hg19) VCF-style: chr8-94934615-C-G.
Other names: p.L169V:CTT>GTT; c.403C>G, p.Leu135Val (NM_001161779.2, NM_001161780.2); c.328C>G, p.Leu110Val (NM_001161781.2); short protein forms L110V, L135V.
Identifiers: ClinVar variation 214974 (VCV000214974.1), dbSNP rs758705968, ClinGen allele CA4808681.

ClinVar aggregate classification (germline): Uncertain significance (1 of 4 stars; one submission).

Allele frequency attached by ClinVar (database versions not stated): gnomAD exomes below 0.00001 and 0.00001; ExAC 0.00001; gnomAD 0.00005 and 0.00006; TOPMed 0.00009.
gnomAD v4.1: 13 of 1,614,046 alleles (0.00081%); highest among the groups gnomAD compares: African/African-American, 0.012%; no homozygotes.

Submission:

GeneDx
Classification: Uncertain significance. Last evaluated: 2014-10-20. Review status: criteria provided, single submitter. Criteria: GeneDx Variant Classification (06012015). Collection method: clinical testing. Allele origin: germline. Affected: yes.
Comment: The L169V variant of unknown significance has not been published as a mutation, nor has it been reported as a benign polymorphism to our knowledge. The L169V variant is a conservative amino acid substitution, which is not likely to impact secondary protein structure as these residues share similar properties. This substitution occurs at a position where amino acids similar to Leucine are conserved across species. In silico analysis predicts this variant likely does not alter the protein structure/function. Therefore, based on the currently available information, it is unclear whether this variant is a pathogenic mutation or a rare benign variant. The variant is found in MITONUC-MITOP panel(s).